The following is an entry in ClinVar:

ClinVar aggregate classification (germline): Conflicting classifications of pathogenicity. Review status: criteria provided, conflicting classifications (1 of 4 stars). 6 submissions from 6 submitters: Uncertain significance (5); Likely benign (1). Last evaluated 2026-07-13.

Conditions:
Autosomal recessive Alport syndrome (ATS2). Also called: COL4A4 Alport Syndrome and Thin Basement Membrane Nephropathy; ALPORT SYNDROME 2, AUTOSOMAL RECESSIVE; Alport syndrome type 2; COL4A3-Related Nephropathy. Identifiers: Orphanet 63, Orphanet 88919, MedGen C4746745, MONDO:0008762, OMIM 203780.
Hematuria, benign familial, 1 (BFH1). Also called: THIN MEMBRANE NEPHROPATHY. Identifiers: MedGen CN376803, MONDO:0007709, OMIM 141200.
Benign familial hematuria. Also called: thin basement membrane disease. Identifiers: MedGen C0241908, MONDO:0957317.
COL4A4-related disorder.

Allele frequency attached by ClinVar (database versions not stated): gnomAD exomes 0.00008 and 0.00022; ExAC 0.00010; 1000 Genomes Project 0.00020; gnomAD 0.00026; TOPMed 0.00032; ESP Exome Variant Server 0.00042; 1000 Genomes Project 30x 0.00047.
gnomAD v4.1: 350 of 1,613,836 alleles (0.022%); highest among the groups gnomAD compares: African/African-American, 0.041%; no homozygotes.

Submissions (6):

PreventionGenetics, part of Exact Sciences
Classification: Uncertain significance for COL4A4-related condition. Last evaluated: 2026-07-13. Review status: criteria provided, single submitter. Criteria: ACMG Guidelines, 2015. Collection method: clinical testing. Allele origin: germline.
Comment: The COL4A4 c.2629C>T variant is predicted to result in the amino acid substitution p.Arg877Trp. This variant has been reported in an individual with end-stage renal disease and deafness, however it is not clear whether second variant was detected (Table S1, Leenen et al. 2022. PubMed ID: 35485766). This variant is reported in 0.037% of alleles in individuals of African descent in gnomAD. At this time, the clinical significance of this variant is uncertain due to the absence of conclusive functional and genetic evidence.

Labcorp Genetics (formerly Invitae), Labcorp
Classification: Likely benign. Last evaluated: 2026-01-26. Review status: criteria provided, single submitter. Criteria: Invitae Variant Classification Sherloc (09022015). Collection method: clinical testing. Allele origin: germline.

Blueprint Genetics
Classification: Uncertain significance. Last evaluated: 2024-09-23. Review status: criteria provided, single submitter. Criteria: ACMG Guidelines, 2015. Collection method: clinical testing. Allele origin: germline.

Fulgent Genetics
Classification: Uncertain significance for Hematuria, benign familial, 1; Autosomal recessive Alport syndrome. Last evaluated: 2024-02-13. Review status: criteria provided, single submitter. Criteria: ACMG Guidelines, 2015. Collection method: clinical testing. Allele origin: germline.

Johns Hopkins Genomics, Johns Hopkins University
Classification: Uncertain significance for Hematuria, benign familial, 1. Last evaluated: 2023-10-24. Review status: criteria provided, single submitter. Criteria: ACMG Guidelines, 2015. Collection method: clinical testing. Allele origin: germline.
Comment: This missense variant (rs55948916) has also been reported in ClinVar (Variation ID 1114838), and is rare (<0.1%) in a large population dataset (gnomAD v3.1.2: 39/152016 total alleles; 0.03%; no homozygotes). Two bioinformatic tools queried predict that this substitution would be tolerated, and the arginine residue at this position is evolutionarily conserved across some of the species assessed. We consider the clinical significance of c.2629C>T in COL4A4 to be uncertain at this time.

Revvity Omics, Revvity
Classification: Uncertain significance. Last evaluated: 2022-08-01. Review status: criteria provided, single submitter. Criteria: ACMG Guidelines, 2015. Collection method: clinical testing. Allele origin: germline.

Literature cited by the submitters: PubMed 20301386 (cited by Johns Hopkins Genomics, Johns Hopkins University); PubMed 35485766 (cited by Johns Hopkins Genomics, Johns Hopkins University).

NM_000092.5(COL4A4):c.2629C>T (p.Arg877Trp)

Gene: COL4A4 (collagen type IV alpha 4 chain; minus strand). Cytogenetic location: 2q36.3.
Variant type: single nucleotide variant.
Coding change: c.2629C>T on transcript NM_000092.5 (MANE Select); coding-DNA position 2629, C replaced by T.
Protein change: p.Arg877Trp; replaces arginine 877 with tryptophan.
Molecular consequence: missense variant.
Genome position (GRCh38, 1-based): chr2:227,056,032, G>A on the plus strand (C>T on the coding strand, the complement: COL4A4 is on the minus strand). VCF-style: chr2-227056032-G-A. GRCh37 (hg19) VCF-style: chr2-227920748-G-A.
Other names: c.2629C>T (NM_000092.4); short protein forms R877W.
Identifiers: ClinVar variation 1114838 (VCV001114838.14), dbSNP rs55948916, ClinGen allele CA2144756.
Genomic context (GRCh38, chr2:227,056,032, plus strand): 5'-CATCATCTCCAAAGGGACCTGGGATTCCTGGGAGGCCTGGGGGACCATGTGCCCCAGGCC[G>A]TCCTGGGAGTCCGGGGAGGCCTTTCATTCCAGCTGGCCCGGGAGGCCCCACATCTCCCGG-3'
Protein context (NP_000083.3, residues 867-887): GMKGLPGLPG[Arg877Trp]PGAHGPPGLP